The following is an entry in ClinVar:

ClinVar aggregate classification (germline): Likely benign. Review status: criteria provided, multiple submitters, no conflicts (2 of 4 stars). 6 submissions from 5 submitters: Likely benign (6). Last evaluated 2025-11-19.

Conditions:
Adams-Oliver syndrome 5 (AOS5). Identifiers: Orphanet 974, MedGen C4014970, MONDO:0014459, OMIM 616028.
Aortic valve disease 1 (AOVD1). Identifiers: MedGen C3887892, MONDO:0024523, OMIM 109730.

Allele frequency attached by ClinVar (database versions not stated): TOPMed 0.00001; ExAC 0.00002; gnomAD exomes 0.00002; gnomAD 0.00003 and 0.00004.

Submissions (6):

Labcorp Genetics (formerly Invitae), Labcorp
Classification: Likely benign for Adams-Oliver syndrome 5. Last evaluated: 2025-11-19. Review status: criteria provided, single submitter. Criteria: Invitae Variant Classification Sherloc (09022015). Collection method: clinical testing. Allele origin: germline.

Blueprint Genetics
Classification: Likely benign. Last evaluated: 2022-09-28. Review status: criteria provided, single submitter. Criteria: ACMG Guidelines, 2015. Collection method: clinical testing. Allele origin: germline.

Genome-Nilou Lab
Classification: Likely benign for Adams-Oliver syndrome 5. Last evaluated: 2022-03-15. Review status: criteria provided, single submitter. Criteria: ACMG Guidelines, 2015. Collection method: clinical testing. Allele origin: germline. Affected: no.

Genome-Nilou Lab
Classification: Likely benign for Aortic valve disease 1. Last evaluated: 2022-03-15. Review status: criteria provided, single submitter. Criteria: ACMG Guidelines, 2015. Collection method: clinical testing. Allele origin: germline. Affected: no.

GeneDx
Classification: Likely benign. Last evaluated: 2017-10-27. Review status: criteria provided, single submitter. Criteria: GeneDx Variant Classification (06012015). Collection method: clinical testing. Allele origin: germline. Affected: yes.
Comment: This variant is considered likely benign or benign based on one or more of the following criteria: it is a conservative change, it occurs at a poorly conserved position in the protein, it is predicted to be benign by multiple in silico algorithms, and/or has population frequency not consistent with disease.

Breakthrough Genomics
Classification: Likely benign. Review status: criteria provided, single submitter. Criteria: ACMG Guidelines, 2015. Collection method: not provided. Allele origin: germline. Inheritance: Autosomal dominant inheritance. Affected: yes.

NM_017617.5(NOTCH1):c.4015-7C>T

Gene: NOTCH1 (notch receptor 1; minus strand). Cytogenetic location: 9q34.3.
Variant type: single nucleotide variant.
Coding change: c.4015-7C>T on transcript NM_017617.5 (MANE Select); 7 bases into the intron before coding-DNA position 4015, C replaced by T.
Molecular consequence: intron variant.
Genome position (GRCh38, 1-based): chr9:136,505,888, G>A on the plus strand (C>T on the coding strand, the complement: NOTCH1 is on the minus strand). VCF-style: chr9-136505888-G-A. GRCh37 (hg19) VCF-style: chr9-139400340-G-A.
Other names: c.4015-7C>T (LRG_1122t1).
Identifiers: ClinVar variation 512949 (VCV000512949.14), dbSNP rs761783451, ClinGen allele CA5340713.